The following is an entry in ClinVar:

NM_006514.4(SCN10A):c.4093A>G (p.Thr1365Ala)

Gene: SCN10A (sodium voltage-gated channel alpha subunit 10; minus strand). Cytogenetic location: 3p22.2.
Variant type: single nucleotide variant.
Coding change: c.4093A>G on transcript NM_006514.4 (MANE Select); coding-DNA position 4093, A replaced by G.
Protein change: p.Thr1365Ala; replaces threonine 1365 with alanine.
Molecular consequence: missense variant.
Genome position (GRCh38, 1-based): chr3:38,710,894, T>C on the plus strand (A>G on the coding strand, the complement: SCN10A is on the minus strand). VCF-style: chr3-38710894-T-C. GRCh37 (hg19) VCF-style: chr3-38752385-T-C.
Other names: c.4090A>G, p.Thr1364Ala (NM_001293306.2); c.3799A>G, p.Thr1267Ala (NM_001293307.2); short protein forms T1364A, T1365A, T1267A.
Identifiers: ClinVar variation 1427087 (VCV001427087.5), dbSNP rs1350489552, ClinGen allele CA352150290.

ClinVar aggregate classification (germline): Uncertain significance. Review status: criteria provided, multiple submitters, no conflicts (2 of 4 stars). 2 submissions from 2 submitters: Uncertain significance (2). Last evaluated 2021-10-25.

Conditions:
Cardiovascular phenotype. Identifiers: MedGen CN230736.
Brugada syndrome. Also called: Sudden unexplained nocturnal death syndrome; Sudden Unexplained Death Syndrome; Sudden Unexplained Nocturnal Death Syndrome (SUNDS); Sudden unexpected nocturnal death syndrome. Identifiers: Orphanet 130, MedGen C1142166, MONDO:0015263.

Allele frequency attached by ClinVar (database versions not stated): gnomAD exomes below 0.00001 and 0.00001.
gnomAD v4.1: 10 of 1,613,496 alleles (0.00062%); highest among the groups gnomAD compares: Non-Finnish European, 0.00085%; no homozygotes.

Submissions (2):

Ambry Genetics
Classification: Uncertain significance for Cardiovascular phenotype. Last evaluated: 2021-10-25. Review status: criteria provided, single submitter. Criteria: Ambry Variant Classification Scheme 2023. Collection method: clinical testing. Allele origin: germline.
Comment: The p.T1365A variant (also known as c.4093A>G), located in coding exon 23 of the SCN10A gene, results from an A to G substitution at nucleotide position 4093. The threonine at codon 1365 is replaced by alanine, an amino acid with similar properties. This amino acid position is conserved. In addition, this alteration is predicted to be deleterious by in silico analysis. Since supporting evidence is limited at this time, the clinical significance of this alteration remains unclear.

Labcorp Genetics (formerly Invitae), Labcorp
Classification: Uncertain significance for Brugada syndrome. Last evaluated: 2021-10-15. Review status: criteria provided, single submitter. Criteria: Invitae Variant Classification Sherloc (09022015). Collection method: clinical testing. Allele origin: germline.
Comment: This sequence change replaces threonine with alanine at codon 1365 of the SCN10A protein (p.Thr1365Ala). The threonine residue is moderately conserved and there is a small physicochemical difference between threonine and alanine. This variant is not present in population databases (ExAC no frequency). This variant has not been reported in the literature in individuals affected with SCN10A-related conditions. Advanced modeling of protein sequence and biophysical properties (such as structural, functional, and spatial information, amino acid conservation, physicochemical variation, residue mobility, and thermodynamic stability) performed at Invitae indicates that this missense variant is expected to disrupt SCN10A protein function. Algorithms developed to predict the effect of sequence changes on RNA splicing suggest that this variant may create or strengthen a splice site. In summary, the available evidence is currently insufficient to determine the role of this variant in disease. Therefore, it has been classified as a Variant of Uncertain Significance.